The following is an entry in ClinVar:

NM_001376.5(DYNC1H1):c.9073G>A (p.Glu3025Lys)

Genes: DYNC1H1 (dynein cytoplasmic 1 heavy chain 1; plus strand), LOC126862060 (BRD4-independent group 4 enhancer GRCh37_chr14:102493659-102494858; plus strand). Cytogenetic location: 14q32.31.
Variant type: single nucleotide variant.
Coding change: c.9073G>A on transcript NM_001376.5 (MANE Select); coding-DNA position 9073, G replaced by A.
Protein change: p.Glu3025Lys; replaces glutamic acid 3025 with lysine.
Molecular consequence: missense variant.
Genome position (GRCh38, 1-based): chr14:102,027,643, G>A. VCF-style: chr14-102027643-G-A. GRCh37 (hg19) VCF-style: chr14-102493980-G-A.
Other names: short protein forms E3025K.
Identifiers: ClinVar variation 2072920 (VCV002072920.8), dbSNP rs2503804892, ClinGen allele CA391011025.
Genomic context (GRCh38, chr14:102,027,643, plus strand): 5'-GGGGGACCAGTAAGTCAGCACTGTGCTGTTTCCCAGGTGCCTGGTCTCTTTGAAGGAGAC[G>A]AGTATGCCACCTTGATGACGCAGTGCAAAGAGGGGGCACAGAAGGAAGGCCTGATGCTGG-3'
Protein context (NP_001367.2, residues 3015-3035): GEVPGLFEGD[Glu3025Lys]YATLMTQCKE

ClinVar aggregate classification (germline): Uncertain significance. Review status: criteria provided, multiple submitters, no conflicts (2 of 4 stars). 3 submissions from 3 submitters: Uncertain significance (3). Last evaluated 2025-02-25.

Conditions:
Charcot-Marie-Tooth disease axonal type 2O. Also called: CHARCOT-MARIE-TOOTH NEUROPATHY, AXONAL, TYPE 2O; CHARCOT-MARIE-TOOTH DISEASE, AXONAL, AUTOSOMAL DOMINANT, TYPE 2O; Charcot-Marie-Tooth Neuropathy Type 2O; Charcot-Marie-Tooth disease, axonal, type 20. Identifiers: Orphanet 284232, MedGen C3280220, MONDO:0013644, OMIM 614228.
Inborn genetic diseases. Identifiers: MedGen C0950123, MeSH D030342.

Allele frequency attached by ClinVar (database versions not stated): gnomAD exomes below 0.00001.
gnomAD v4.1: 1 of 1,614,142 alleles (0.000062%); highest among the groups gnomAD compares: Non-Finnish European, 0.000085%; no homozygotes.

Submissions (3):

Labcorp Genetics (formerly Invitae), Labcorp
Classification: Uncertain significance for Charcot-Marie-Tooth disease axonal type 2O. Last evaluated: 2025-02-25. Review status: criteria provided, single submitter. Criteria: Invitae Variant Classification Sherloc (09022015). Collection method: clinical testing. Allele origin: germline.
Comment: This sequence change replaces glutamic acid, which is acidic and polar, with lysine, which is basic and polar, at codon 3025 of the DYNC1H1 protein (p.Glu3025Lys). This variant is not present in population databases (gnomAD no frequency). This missense change has been observed in individual(s) with autism spectrum disorder (PMID: 28263302, 35982159, 36368308). ClinVar contains an entry for this variant (Variation ID: 2072920). Invitae Evidence Modeling of protein sequence and biophysical properties (such as structural, functional, and spatial information, amino acid conservation, physicochemical variation, residue mobility, and thermodynamic stability) indicates that this missense variant is expected to disrupt DYNC1H1 protein function with a positive predictive value of 95%. In summary, the available evidence is currently insufficient to determine the role of this variant in disease. Therefore, it has been classified as a Variant of Uncertain Significance.

Ambry Genetics
Classification: Uncertain significance for Inborn genetic diseases. Last evaluated: 2025-01-29. Review status: criteria provided, single submitter. Criteria: Ambry Variant Classification Scheme 2023. Collection method: clinical testing. Allele origin: germline.
Comment: The c.9073G>A (p.E3025K) alteration is located in exon 47 (coding exon 47) of the DYNC1H1 gene. This alteration results from a G to A substitution at nucleotide position 9073, causing the glutamic acid (E) at amino acid position 3025 to be replaced by a lysine (K). This variant was not reported in population-based cohorts in the Genome Aggregation Database (gnomAD). This amino acid position is highly conserved in available vertebrate species. This missense alteration is located in a region that has a low rate of benign missense variation (Lek, 2016; Firth, 2009). This alteration is predicted to be deleterious by in silico analysis. Based on insufficient or conflicting evidence, the clinical significance of this alteration remains unclear.

Revvity Omics, Revvity
Classification: Uncertain significance. Last evaluated: 2022-09-16. Review status: criteria provided, single submitter. Criteria: ACMG Guidelines, 2015. Collection method: clinical testing. Allele origin: germline.

Literature cited by the submitters: PubMed 28263302 (cited by Labcorp Genetics (formerly Invitae), Labcorp); PubMed 35982159 (cited by Labcorp Genetics (formerly Invitae), Labcorp); PubMed 36368308 (cited by Labcorp Genetics (formerly Invitae), Labcorp).